The following is an entry in ClinVar:

ClinVar aggregate classification (germline): Likely benign (1 of 4 stars; one submission).

Allele frequency attached by ClinVar (database versions not stated): ExAC 0.00001.
gnomAD v4.1: 8 of 1,613,928 alleles (0.0005%); highest among the groups gnomAD compares: Non-Finnish European, 0.00059%; no homozygotes.

Submission:

CeGaT Center for Human Genetics Tuebingen
Classification: Likely benign. Last evaluated: 2022-04-01. Review status: criteria provided, single submitter. Criteria: CeGaT Center For Human Genetics Tuebingen Variant Classification Criteria Version 2. Collection method: clinical testing. Allele origin: germline. Affected: yes. Observed: 1 variant allele.
Comment: NADK: BP4, BP7

NM_023018.5(NADK):c.858G>A (p.Val286=)

Gene: NADK (NAD kinase; minus strand). Cytogenetic location: 1p36.33.
Variant type: single nucleotide variant.
Coding change: c.858G>A on transcript NM_023018.5 (MANE Select); coding-DNA position 858, G replaced by A.
Protein change: p.Val286=; no amino-acid change (valine 286 retained).
Molecular consequence: synonymous variant.
Genome position (GRCh38, 1-based): chr1:1,754,369, C>T on the plus strand (G>A on the coding strand, the complement: NADK is on the minus strand). VCF-style: chr1-1754369-C-T. GRCh37 (hg19) VCF-style: chr1-1685808-C-T.
Other names: c.858G>A, p.Val286= (NM_001198993.2, NM_001353641.2); c.1293G>A, p.Val431= (NM_001198994.2); c.762G>A, p.Val254= (NM_001198995.1); c.597G>A, p.Val199= (NM_001353642.2).
Identifiers: ClinVar variation 2638060 (VCV002638060.24), dbSNP rs748639977, ClinGen allele CA531299.